The following is an entry in ClinVar:

ClinVar aggregate classification (germline): Likely pathogenic (1 of 4 stars; one submission).

Conditions:
Neurodevelopmental disorder with coarse facies and mild distal skeletal abnormalities. Also called: STOLERMAN NEURODEVELOPMENTAL SYNDROME. Identifiers: MedGen C5193134, MONDO:0032790, OMIM 618505.

Submission:

Greenwood Genetic Center Diagnostic Laboratories, Greenwood Genetic Center
Classification: Likely pathogenic for Neurodevelopmental disorder with coarse facies and mild distal skeletal abnormalities. Last evaluated: 2024-01-23. Review status: criteria provided, single submitter. Criteria: ACMG Guidelines, 2015. Collection method: clinical testing. Allele origin: germline. Affected: yes.
Comment: PS2, PM2

NM_001348716.2(KDM6B):c.4472A>G (p.Tyr1491Cys)

Genes: KDM6B (lysine demethylase 6B; plus strand), LOC121587574 (Sharpr-MPRA regulatory region 3930; plus strand). Cytogenetic location: 17p13.1.
Variant type: single nucleotide variant.
Coding change: c.4472A>G on transcript NM_001348716.2 (MANE Select); coding-DNA position 4472, A replaced by G.
Protein change: p.Tyr1491Cys; replaces tyrosine 1491 with cysteine.
Molecular consequence: missense variant.
Genome position (GRCh38, 1-based): chr17:7,852,498, A>G. VCF-style: chr17-7852498-A-G. GRCh37 (hg19) VCF-style: chr17-7755816-A-G.
Other names: c.4472A>G, p.Tyr1491Cys (NM_001080424.2); short protein forms Y1491C.
Identifiers: ClinVar variation 3235848 (VCV003235848.1), dbSNP rs2544534894, ClinGen allele CA397927854.
Genomic context (GRCh38, chr17:7,852,498, plus strand): 5'-GGCCTAGGTGTCTGGGGGCTGTTTGAGAGTCCTGTTGTGATCGCCTTTGGCCCGCAGCCT[A>G]TCAGTACCAGCTGGCCCTGGAACGATACGAGTGGAATGAGGTGAAGAACGTCAAATCCAT-3'
Protein context (NP_001335645.1, residues 1481-1501): IAWNVGPLTA[Tyr1491Cys]QYQLALERYE